The following is an entry in ClinVar:

ClinVar aggregate classification (germline): Pathogenic/Likely pathogenic. Review status: criteria provided, multiple submitters, no conflicts (2 of 4 stars). 5 submissions from 5 submitters: Pathogenic (1); Likely pathogenic (4). Last evaluated 2025-05-15.

Conditions:
Familial cancer of breast. Also called: BREAST CANCER, FAMILIAL; Hereditary breast cancer; hereditary breast carcinoma. Identifiers: Orphanet 227535, MedGen C0346153, MONDO:0016419, OMIM 114480. Disease mechanism: loss of function.
Ataxia-telangiectasia syndrome (AT). Also called: Ataxia-telangiectasia; LOUIS-BAR SYNDROME; Ataxia-telangiectasia, complementation group D; AT, COMPLEMENTATION GROUP C; ATAXIA-TELANGIECTASIA, COMPLEMENTATION GROUP A; ATAXIA-TELANGIECTASIA, FRESNO VARIANT. Identifiers: Orphanet 100, MedGen C0004135, MONDO:0008840, OMIM 208900.

Allele frequency attached by ClinVar (database versions not stated): gnomAD exomes 0.00001.
gnomAD v4.1: 3 of 1,613,544 alleles (0.00019%); highest among the groups gnomAD compares: South Asian, 0.0033%; no homozygotes.

Submissions (5):

Natera, Inc.
Classification: Likely pathogenic for Ataxia-telangiectasia. Last evaluated: 2025-05-15. Review status: criteria provided, single submitter. Criteria: Natera Variant Classification Schema (03/2026). Collection method: clinical testing. Allele origin: germline.
Comment: The c.5178-2A>G variant in ATM is a canonical splice acceptor site variant predicted to affect pre-mRNA splicing, which may result in an abnormal transcript and altered protein product. This variant is expected to result in nonsense mediated decay, truncation, or a dysfunctional protein product. This variant is rare in the general population with a frequency below the threshold expected for the associated phenotype(s). Given the available evidence, this variant is classified as Likely Pathogenic.

Myriad Genetics, Inc.
Classification: Likely pathogenic for Familial cancer of breast. Last evaluated: 2024-01-25. Review status: criteria provided, single submitter. Criteria: Myriad Autosomal Dominant, Autosomal Recessive and X-Linked Classification Criteria (2023). Collection method: clinical testing. Allele origin: unknown.
Comment: This variant is considered likely pathogenic. This variant occurs within a consensus splice junction and is predicted to result in abnormal mRNA splicing of either an out-of-frame exon or an in-frame exon necessary for protein stability and/or normal function.

Labcorp Genetics (formerly Invitae), Labcorp
Classification: Pathogenic for Ataxia-telangiectasia syndrome. Last evaluated: 2023-06-06. Review status: criteria provided, single submitter. Criteria: Invitae Variant Classification Sherloc (09022015). Collection method: clinical testing. Allele origin: germline.
Comment: ClinVar contains an entry for this variant (Variation ID: 1339191). For these reasons, this variant has been classified as Pathogenic. Algorithms developed to predict the effect of sequence changes on RNA splicing suggest that this variant may disrupt the consensus splice site. Disruption of this splice site has been observed in individual(s) with clinical features of ataxia-telangiectasia (Invitae). In at least one individual the data is consistent with being in trans (on the opposite chromosome) from a pathogenic variant. This variant is not present in population databases (gnomAD no frequency). This sequence change affects an acceptor splice site in intron 34 of the ATM gene. It is expected to disrupt RNA splicing. Variants that disrupt the donor or acceptor splice site typically lead to a loss of protein function (PMID: 16199547), and loss-of-function variants in ATM are known to be pathogenic (PMID: 23807571, 25614872).

Baylor Genetics
Classification: Likely pathogenic for Familial cancer of breast. Last evaluated: 2022-01-25. Review status: criteria provided, single submitter. Criteria: ACMG Guidelines, 2015. Collection method: clinical testing. Allele origin: unknown.

Neuberg Centre For Genomic Medicine, NCGM
Classification: Likely pathogenic for Ataxia-telangiectasia syndrome. Review status: criteria provided, single submitter. Criteria: ACMG Guidelines, 2015. Collection method: clinical testing. Allele origin: germline. Affected: yes.
Comment: The splice acceptor variant c.5178-2A>G in ATM (NM_000051.4) has not been reported previously as a pathogenic variant nor as a benign variant, to our knowledge. The c.5178-2A>G variant is novel (not in any individuals) in gnomAD Exomes and is novel (not in any individuals) in 1000 Genomes. This variant affects an invariant splice site and hence is predicted to cause protein truncation. For these reasons, this variant has been classified as Likely Pathogenic.

Literature cited by the submitters: PubMed 16199547 (cited by Labcorp Genetics (formerly Invitae), Labcorp); PubMed 23807571 (cited by Labcorp Genetics (formerly Invitae), Labcorp); PubMed 25614872 (cited by Labcorp Genetics (formerly Invitae), Labcorp).

NM_000051.4(ATM):c.5178-2A>G

Gene: ATM (ATM serine/threonine kinase; plus strand). Cytogenetic location: 11q22.3.
Variant type: single nucleotide variant.
Coding change: c.5178-2A>G on transcript NM_000051.4 (MANE Select); the canonical splice acceptor site of the intron before coding-DNA position 5178, A replaced by G.
Molecular consequence: splice acceptor variant.
Genome position (GRCh38, 1-based): chr11:108,301,646, A>G. VCF-style: chr11-108301646-A-G. GRCh37 (hg19) VCF-style: chr11-108172373-A-G.
Other names: c.5178-2A>G (NM_001351834.2, NM_000051.3).
Identifiers: ClinVar variation 1339191 (VCV001339191.11), dbSNP rs2135911500, ClinGen allele CA382542071.